The following is an entry in ClinVar:

ClinVar aggregate classification (germline): Uncertain significance (1 of 4 stars; one submission).

Submission:

GeneDx
Classification: Uncertain significance. Last evaluated: 2026-07-08. Review status: criteria provided, single submitter. Criteria: GeneDx Variant Classification Process June 2021. Collection method: clinical testing. Allele origin: germline.
Comment: Not observed at significant frequency in large population cohorts (gnomAD); In silico analysis supports that this missense variant has a deleterious effect on protein structure/function; Has not been previously published as pathogenic or benign to our knowledge

NM_012281.3(KCND2):c.1292C>A (p.Ala431Asp)

Gene: KCND2 (potassium voltage-gated channel subfamily D member 2; plus strand). Cytogenetic location: 7q31.31.
Variant type: single nucleotide variant.
Coding change: c.1292C>A on transcript NM_012281.3 (MANE Select); coding-DNA position 1292, C replaced by A.
Protein change: p.Ala431Asp; replaces alanine 431 with aspartic acid.
Molecular consequence: missense variant.
Genome position (GRCh38, 1-based): chr7:120,741,547, C>A. VCF-style: chr7-120741547-C-A. GRCh37 (hg19) VCF-style: chr7-120381601-C-A.
Other names: short protein forms A431D.
Identifiers: ClinVar variation 4529618 (VCV004529618.2).